The following is an entry in ClinVar:

ClinVar aggregate classification (germline): Uncertain significance. Review status: criteria provided, multiple submitters, no conflicts (2 of 4 stars). 4 submissions from 4 submitters: Uncertain significance (4). Last evaluated 2024-08-27.

Conditions:
Cardiovascular phenotype. Identifiers: MedGen CN230736.
Cardiomyopathy (CMYO). Also called: Cardiomyopathies. Identifiers: Orphanet 167848, MedGen C0878544, MONDO:0004994, HP:0001638. Inheritance: Various modes of inheritance.
Arrhythmogenic right ventricular cardiomyopathy (ARVD). Also called: Arrhythmogenic cardiomyopathy; Arrhythmogenic Right Ventricular Cardiomyopathy (ARVC); Cardiomyopathy, ARVC; Arrhythmogenic right ventricular dysplasia. Identifiers: Orphanet 247, MedGen C0349788, MeSH D019571, MONDO:0016587. Disease mechanism: loss of function. Inheritance: Various modes of inheritance.
Arrhythmogenic right ventricular dysplasia 10. Also called: Arrhythmogenic right ventricular dysplasia/cardiomyopathy, type 10; Arrhythmogenic Right Ventricular Dysplasia/Cardiomyopathy10; ARRHYTHMOGENIC RIGHT VENTRICULAR DYSPLASIA, FAMILIAL, 10. Identifiers: MedGen C1857777, MONDO:0012434, OMIM 610193.

Allele frequency attached by ClinVar (database versions not stated): gnomAD exomes below 0.00001; TOPMed below 0.00001.

Submissions (4):

Labcorp Genetics (formerly Invitae), Labcorp
Classification: Uncertain significance for Arrhythmogenic right ventricular dysplasia 10. Last evaluated: 2024-08-27. Review status: criteria provided, single submitter. Criteria: Invitae Variant Classification Sherloc (09022015). Collection method: clinical testing. Allele origin: germline.
Comment: This sequence change replaces aspartic acid, which is acidic and polar, with tyrosine, which is neutral and polar, at codon 433 of the DSG2 protein (p.Asp433Tyr). This variant is not present in population databases (gnomAD no frequency). This variant has not been reported in the literature in individuals affected with DSG2-related conditions. ClinVar contains an entry for this variant (Variation ID: 518464). Invitae Evidence Modeling of protein sequence and biophysical properties (such as structural, functional, and spatial information, amino acid conservation, physicochemical variation, residue mobility, and thermodynamic stability) has been performed for this missense variant. However, the output from this modeling did not meet the statistical confidence thresholds required to predict the impact of this variant on DSG2 protein function. In summary, the available evidence is currently insufficient to determine the role of this variant in disease. Therefore, it has been classified as a Variant of Uncertain Significance.

Color Diagnostics, LLC DBA Color Health
Classification: Uncertain significance for Cardiomyopathy. Last evaluated: 2024-03-06. Review status: criteria provided, single submitter. Criteria: ACMG Guidelines, 2015. Collection method: clinical testing. Allele origin: germline.
Comment: This missense variant replaces aspartic acid with tyrosine at codon 433 of the DSG2 protein. Computational prediction suggests that this variant may have deleterious impact on protein structure and function (internally defined REVEL score threshold >= 0.7, PMID: 27666373). To our knowledge, functional studies have not been reported for this variant. This variant has not been reported in individuals affected with cardiovascular disorders in the literature. This variant has not been identified in the general population by the Genome Aggregation Database (gnomAD). The available evidence is insufficient to determine the role of this variant in disease conclusively. Therefore, this variant is classified as a Variant of Uncertain Significance.

Ambry Genetics
Classification: Uncertain significance for Cardiovascular phenotype. Last evaluated: 2023-12-07. Review status: criteria provided, single submitter. Criteria: Ambry Variant Classification Scheme 2023. Collection method: clinical testing. Allele origin: germline.
Comment: The p.D433Y variant (also known as c.1297G>T), located in coding exon 10 of the DSG2 gene, results from a G to T substitution at nucleotide position 1297. The aspartic acid at codon 433 is replaced by tyrosine, an amino acid with highly dissimilar properties. This amino acid position is highly conserved in available vertebrate species. In addition, the in silico prediction for this alteration is inconclusive. Since supporting evidence is limited at this time, the clinical significance of this variant remains unclear.

All of Us Research Program, National Institutes of Health
Classification: Uncertain significance for Arrhythmogenic right ventricular cardiomyopathy. Last evaluated: 2023-11-02. Review status: criteria provided, single submitter. Criteria: ACMG Guidelines, 2015. Collection method: clinical testing. Allele origin: germline. Inheritance: Autosomal dominant inheritance. Observed: 1 variant allele, 1 heterozygote.
Comment: Variant of Uncertain Significance due to insufficient evidence: This missense variant is located in the extracellular cadherin domain 4 of the DSG2 protein. Computational prediction tools and conservation analyses suggest that this variant may have deleterious impact on the protein function. Computational splicing tools suggest that this variant may not impact RNA splicing. To our knowledge, functional assays have not been performed for this variant nor has this variant been reported in individuals affected with cardiovascular disorders in the literature. This variant is rare in the general population and has been identified in 0/277264 chromosomes by the Genome Aggregation Database (gnomAD). Available evidence is insufficient to determine the pathogenicity of this variant conclusively.

This study involves interpretation of variants in research participants for the purpose of population health screening. Participant phenotype was not available at the time of variant classification. Additional details can be found in publication PMID: 35346344, PMCID: PMC8962531

NM_001943.5(DSG2):c.1297G>T (p.Asp433Tyr)

Gene: DSG2 (desmoglein 2; plus strand). Cytogenetic location: 18q12.1.
Variant type: single nucleotide variant.
Coding change: c.1297G>T on transcript NM_001943.5 (MANE Select); coding-DNA position 1297, G replaced by T.
Protein change: p.Asp433Tyr; replaces aspartic acid 433 with tyrosine.
Molecular consequence: missense variant.
Genome position (GRCh38, 1-based): chr18:31,535,286, G>T. VCF-style: chr18-31535286-G-T. GRCh37 (hg19) VCF-style: chr18-29115249-G-T.
Other names: c.1297G>T (LRG_397t1); short protein forms D433Y.
Identifiers: ClinVar variation 518464 (VCV000518464.12), dbSNP rs938919152, ClinGen allele CA402140259.